The following is an entry in ClinVar:

NM_018238.4(AGK):c.-14-269A>G

Gene: AGK (acylglycerol kinase; plus strand). Cytogenetic location: 7q34.
Variant type: single nucleotide variant.
Coding change: c.-14-269A>G on transcript NM_018238.4 (MANE Select); 269 bases into the intron before 14 bases upstream of the start codon, A replaced by G.
Molecular consequence: intron variant.
Genome position (GRCh38, 1-based): chr7:141,555,184, A>G. VCF-style: chr7-141555184-A-G. GRCh37 (hg19) VCF-style: chr7-141254984-A-G.
Other names: c.-14-269A>G (NM_001364948.3).
Identifiers: ClinVar variation 669749 (VCV000669749.1), dbSNP rs12669650, ClinGen allele CA12523394.

ClinVar aggregate classification (germline): Benign (1 of 4 stars; one submission).

Allele frequency attached by ClinVar (database versions not stated): gnomAD 0.03206 and 0.03562; TOPMed 0.03460; 1000 Genomes Project 30x 0.06012; 1000 Genomes Project 0.06030.
gnomAD v4.1: 5,381 of 152,246 alleles (3.5%); highest among the groups gnomAD compares: South Asian, 15%; 145 homozygotes.

Submission:

GeneDx
Classification: Benign. Last evaluated: 2018-06-14. Review status: criteria provided, single submitter. Criteria: GeneDx Variant Classification (06012015). Collection method: clinical testing. Allele origin: germline. Affected: yes.
Comment: This variant is considered likely benign or benign based on one or more of the following criteria: it is a conservative change, it occurs at a poorly conserved position in the protein, it is predicted to be benign by multiple in silico algorithms, and/or has population frequency not consistent with disease.